The following is an entry in ClinVar:

NM_000059.4(BRCA2):c.8248A>C (p.Lys2750Gln)

Gene: BRCA2 (BRCA2 DNA repair associated; plus strand). Cytogenetic location: 13q13.1.
Variant type: single nucleotide variant.
Coding change: c.8248A>C on transcript NM_000059.4 (MANE Select); coding-DNA position 8248, A replaced by C.
Protein change: p.Lys2750Gln; replaces lysine 2750 with glutamine.
Molecular consequence: missense variant.
Genome position (GRCh38, 1-based): chr13:32,363,450, A>C. VCF-style: chr13-32363450-A-C. GRCh37 (hg19) VCF-style: chr13-32937587-A-C.
Other names: short protein forms K2750Q.
Identifiers: ClinVar variation 940241 (VCV000940241.11), dbSNP rs2072759875, ClinGen allele CA387749932.
Genomic context (GRCh38, chr13:32,363,450, plus strand): 5'-GCCCAGTTAGATCCTCCCCTCTTAGCTGTCTTAAAGAATGGCAGACTGACAGTTGGTCAG[A>C]AGATTATTCTTCATGGAGCAGAACTGGTGGGCTCTCCTGATGCCTGTACACCTCTTGAAG-3'
Protein context (NP_000050.3, residues 2740-2760): LKNGRLTVGQ[Lys2750Gln]IILHGAELVG

ClinVar aggregate classification (germline): Uncertain significance. Review status: criteria provided, multiple submitters, no conflicts (2 of 4 stars). 2 submissions from 2 submitters: Uncertain significance (2). Last evaluated 2024-04-09.

Conditions:
Hereditary cancer-predisposing syndrome. Also called: Hereditary neoplastic syndrome; Neoplastic Syndromes, Hereditary; Tumor predisposition; Hereditary Cancer Syndrome. Identifiers: Orphanet 140162, MedGen C0027672, MeSH D009386, MONDO:0015356.
Hereditary breast ovarian cancer syndrome. Also called: Hereditary breast and/or ovarian cancer syndrome; Hereditary breast and ovarian cancer syndrome; Hereditary breast and ovarian cancer; Hereditary breast and ovarian cancer syndrome (HBOC); Breast and ovarian cancer; BRCA1- and BRCA2-Associated Hereditary Breast and Ovarian Cancer. Identifiers: Orphanet 145, MedGen C0677776, MeSH D061325, MONDO:0003582. Disease mechanism: loss of function.

Submissions (2):

Ambry Genetics
Classification: Uncertain significance for Hereditary cancer-predisposing syndrome. Last evaluated: 2024-04-09. Review status: criteria provided, single submitter. Criteria: Ambry Variant Classification Scheme 2023. Collection method: clinical testing. Allele origin: germline.
Comment: The p.K2750Q variant (also known as c.8248A>C), located in coding exon 17 of the BRCA2 gene, results from an A to C substitution at nucleotide position 8248. The lysine at codon 2750 is replaced by glutamine, an amino acid with similar properties. This amino acid position is conserved. In addition, this alteration is predicted to be deleterious by in silico analysis. Based on the available evidence, the clinical significance of this variant remains unclear.

Labcorp Genetics (formerly Invitae), Labcorp
Classification: Uncertain significance for Hereditary breast ovarian cancer syndrome. Last evaluated: 2022-07-26. Review status: criteria provided, single submitter. Criteria: Invitae Variant Classification Sherloc (09022015). Collection method: clinical testing. Allele origin: germline.
Comment: This sequence change replaces lysine, which is basic and polar, with glutamine, which is neutral and polar, at codon 2750 of the BRCA2 protein (p.Lys2750Gln). This variant is not present in population databases (gnomAD no frequency). This variant has not been reported in the literature in individuals affected with BRCA2-related conditions. ClinVar contains an entry for this variant (Variation ID: 940241). Algorithms developed to predict the effect of missense changes on protein structure and function (SIFT, PolyPhen-2, Align-GVGD) all suggest that this variant is likely to be disruptive. In summary, the available evidence is currently insufficient to determine the role of this variant in disease. Therefore, it has been classified as a Variant of Uncertain Significance.